The following is an entry in ClinVar:

NM_032043.3(BRIP1):c.3252T>C (p.Thr1084=)

Gene: BRIP1 (BRCA1 interacting DNA helicase 1; minus strand). Cytogenetic location: 17q23.2.
Variant type: single nucleotide variant.
Coding change: c.3252T>C on transcript NM_032043.3 (MANE Select); coding-DNA position 3252, T replaced by C.
Protein change: p.Thr1084=; no amino-acid change (threonine 1084 retained).
Molecular consequence: synonymous variant.
Genome position (GRCh38, 1-based): chr17:61,683,794, A>G on the plus strand (T>C on the coding strand, the complement: BRIP1 is on the minus strand). VCF-style: chr17-61683794-A-G. GRCh37 (hg19) VCF-style: chr17-59761155-A-G.
Identifiers: ClinVar variation 512481 (VCV000512481.14), dbSNP rs1555572745, ClinGen allele CA501335197.
Genomic context (GRCh38, chr17:61,683,794, plus strand): 5'-TTCAATGTCTGGATCCAGGGCTTCTTCAGAACAGAGCGGATGTTCAGAATGATTTTTTCT[A>G]GTAAGGGTGGCATCAATCTTTAATGATGAAATAATGGTTTCTGATTGAGGGCATGATCCA-3'
Protein context (NP_114432.2, residues 1074-1094): ISSLKIDATL[Thr1084=]RKNHSEHPLC

ClinVar aggregate classification (germline): Benign/Likely benign. Review status: criteria provided, multiple submitters, no conflicts (2 of 4 stars). 4 submissions from 4 submitters: Benign (1); Likely benign (3). Last evaluated 2025-01-23.

Conditions:
Hereditary cancer-predisposing syndrome. Also called: Hereditary Cancer Syndrome; Tumor predisposition; Neoplastic Syndromes, Hereditary; Hereditary neoplastic syndrome. Identifiers: Orphanet 140162, MedGen C0027672, MeSH D009386, MONDO:0015356.
Familial cancer of breast. Also called: BREAST CANCER, FAMILIAL; Hereditary breast cancer; hereditary breast carcinoma. Identifiers: Orphanet 227535, MedGen C0346153, MONDO:0016419, OMIM 114480. Disease mechanism: loss of function.
Fanconi anemia complementation group J. Also called: BRIP1-Related Fanconi Anemia. Identifiers: Orphanet 84, MedGen C1836860, MONDO:0012187, OMIM 609054.

Allele frequency attached by ClinVar (database versions not stated): gnomAD exomes below 0.00001; gnomAD 0.00001.
gnomAD v4.1: 2 of 1,614,084 alleles (0.00012%); highest among the groups gnomAD compares: African/African-American, 0.0013%; no homozygotes.

Submissions (4):

Labcorp Genetics (formerly Invitae), Labcorp
Classification: Likely benign for Familial cancer of breast; Fanconi anemia complementation group J. Last evaluated: 2025-01-23. Review status: criteria provided, single submitter. Criteria: Invitae Variant Classification Sherloc (09022015). Collection method: clinical testing. Allele origin: germline.

Myriad Genetics, Inc.
Classification: Benign for Familial cancer of breast. Last evaluated: 2024-09-10. Review status: criteria provided, single submitter. Criteria: Myriad Autosomal Dominant, Autosomal Recessive and X-Linked Classification Criteria (2023). Collection method: clinical testing. Allele origin: unknown.
Comment: This variant is considered benign. This variant is a silent/synonymous amino acid change and it is not expected to impact splicing.

GeneDx
Classification: Likely benign. Last evaluated: 2018-11-12. Review status: criteria provided, single submitter. Criteria: GeneDx Variant Classification Process June 2021. Collection method: clinical testing. Allele origin: germline. Affected: yes.

Ambry Genetics
Classification: Likely benign for Hereditary cancer-predisposing syndrome. Last evaluated: 2018-03-18. Review status: criteria provided, single submitter. Criteria: Ambry Variant Classification Scheme 2023. Collection method: clinical testing. Allele origin: germline.